The following is an entry in ClinVar:

NM_002296.4(LBR):c.1040G>A (p.Arg347His)

Gene: LBR (lamin B receptor; minus strand). Cytogenetic location: 1q42.12.
Variant type: single nucleotide variant.
Coding change: c.1040G>A on transcript NM_002296.4 (MANE Select); coding-DNA position 1040, G replaced by A.
Protein change: p.Arg347His; replaces arginine 347 with histidine.
Molecular consequence: missense variant.
Genome position (GRCh38, 1-based): chr1:225,412,498, C>T on the plus strand (G>A on the coding strand, the complement: LBR is on the minus strand). VCF-style: chr1-225412498-C-T. GRCh37 (hg19) VCF-style: chr1-225600200-C-T.
Other names: c.1040G>A, p.Arg347His (NM_194442.3); c.1040G>A (NM_002296.3); short protein forms R347H.
Identifiers: ClinVar variation 2887861 (VCV002887861.4), dbSNP rs761503513, ClinGen allele CA1417262.
Genomic context (GRCh38, chr1:225,412,498, plus strand): 5'-ATTCATCACTGCTCACCAGAGCTGGCAGGCGACAGGTCATTCCGGGGCGCTTTCAAAGAG[C>T]GCATGTAGAGATACACACTCAAGACCACACAAAAAACAGTGGCCGCAAGTGCAAACTGAA-3'
Protein context (NP_002287.2, residues 337-357): CVVLSVYLYM[Arg347His]SLKAPRNDLS

ClinVar aggregate classification (germline): Uncertain significance. Review status: criteria provided, multiple submitters, no conflicts (2 of 4 stars). 2 submissions from 2 submitters: Uncertain significance (2). Last evaluated 2025-08-12.

Conditions:
Inborn genetic diseases. Identifiers: MedGen C0950123, MeSH D030342.

Allele frequency attached by ClinVar (database versions not stated): gnomAD 0.00001; ExAC 0.00002; TOPMed 0.00003.
gnomAD v4.1: 13 of 1,613,916 alleles (0.00081%); highest among the groups gnomAD compares: South Asian, 0.0055%; no homozygotes.

Submissions (2):

Ambry Genetics
Classification: Uncertain significance for Inborn genetic diseases. Last evaluated: 2025-08-12. Review status: criteria provided, single submitter. Criteria: Ambry Variant Classification Scheme 2023. Collection method: clinical testing. Allele origin: germline.

Labcorp Genetics (formerly Invitae), Labcorp
Classification: Uncertain significance. Last evaluated: 2025-01-06. Review status: criteria provided, single submitter. Criteria: Invitae Variant Classification Sherloc (09022015). Collection method: clinical testing. Allele origin: germline.
Comment: This sequence change replaces arginine, which is basic and polar, with histidine, which is basic and polar, at codon 347 of the LBR protein (p.Arg347His). This variant is present in population databases (rs761503513, gnomAD 0.01%). This variant has not been reported in the literature in individuals affected with LBR-related conditions. ClinVar contains an entry for this variant (Variation ID: 2887861). Invitae Evidence Modeling of protein sequence and biophysical properties (such as structural, functional, and spatial information, amino acid conservation, physicochemical variation, residue mobility, and thermodynamic stability) indicates that this missense variant is not expected to disrupt LBR protein function with a negative predictive value of 80%. In summary, the available evidence is currently insufficient to determine the role of this variant in disease. Therefore, it has been classified as a Variant of Uncertain Significance.